The following is an entry in ClinVar:

NM_194285.3(SPTY2D1):c.60+4A>G

Gene: SPTY2D1 (SPT2 chromatin protein domain containing 1; minus strand). Cytogenetic location: 11p15.1.
Variant type: single nucleotide variant.
Coding change: c.60+4A>G on transcript NM_194285.3 (MANE Select); 4 bases into the intron after coding-DNA position 60, A replaced by G.
Molecular consequence: intron variant.
Genome position (GRCh38, 1-based): chr11:18,634,194, T>C on the plus strand (A>G on the coding strand, the complement: SPTY2D1 is on the minus strand). VCF-style: chr11-18634194-T-C. GRCh37 (hg19) VCF-style: chr11-18655741-T-C.
Other names: NC_000011.9:g.18655741T>C.
Identifiers: ClinVar variation 2641665 (VCV002641665.25), dbSNP rs151115079, ClinGen allele CA5913438.

ClinVar aggregate classification (germline): Likely benign (1 of 4 stars; one submission).

Allele frequency attached by ClinVar (database versions not stated): 1000 Genomes Project 30x 0.00219; 1000 Genomes Project 0.00240; gnomAD 0.00340; TOPMed 0.00399; ESP Exome Variant Server 0.00400; ExAC 0.00441; gnomAD exomes 0.00479.

Submissions (5):

CeGaT Center for Human Genetics Tuebingen
Classification: Likely benign. Last evaluated: 2024-04-01. Review status: criteria provided, single submitter. Criteria: CeGaT Center For Human Genetics Tuebingen Variant Classification Criteria Version 2. Collection method: clinical testing. Allele origin: germline. Affected: yes. Observed: 2 variant alleles.
Comment: SPTY2D1: BP4, BS2

Dr. Peter K. Rogan Lab, Western University
No classification provided (evidence only). Condition: Clear cell carcinoma of kidney. Review status: no classification provided. Collection method: in vitro. Allele origin: not applicable. Functional consequence: retained intron. Not counted in ClinVar's aggregate classification.

Dr. Peter K. Rogan Lab, Western University
No classification provided (evidence only). Condition: Familial cancer of breast. Review status: no classification provided. Collection method: in vitro. Allele origin: not applicable. Functional consequence: retained intron. Not counted in ClinVar's aggregate classification.

Dr. Peter K. Rogan Lab, Western University
No classification provided (evidence only). Condition: Cervical cancer. Review status: no classification provided. Collection method: in vitro. Allele origin: not applicable. Functional consequence: retained intron. Not counted in ClinVar's aggregate classification.

Dr. Peter K. Rogan Lab, Western University
No classification provided (evidence only). Condition: Uveal melanoma. Review status: no classification provided. Collection method: in vitro. Allele origin: not applicable. Functional consequence: retained intron. Not counted in ClinVar's aggregate classification.